The following is an entry in ClinVar:

NM_019066.5(MAGEL2):c.580C>A (p.Pro194Thr)

Gene: MAGEL2 (MAGE family member L2; minus strand). Cytogenetic location: 15q11.2.
Variant type: single nucleotide variant.
Coding change: c.580C>A on transcript NM_019066.5 (MANE Select); coding-DNA position 580, C replaced by A.
Protein change: p.Pro194Thr; replaces proline 194 with threonine.
Molecular consequence: missense variant.
Genome position (GRCh38, 1-based): chr15:23,647,163, G>T on the plus strand (C>A on the coding strand, the complement: MAGEL2 is on the minus strand). VCF-style: chr15-23647163-G-T. GRCh37 (hg19) VCF-style: chr15-23892310-G-T.
Other names: short protein forms P194T.
Identifiers: ClinVar variation 1714720 (VCV001714720.6), dbSNP rs960213561, ClinGen allele CA267661323.

ClinVar aggregate classification (germline): Uncertain significance. Review status: criteria provided, multiple submitters, no conflicts (2 of 4 stars). 2 submissions from 2 submitters: Uncertain significance (2). Last evaluated 2024-09-14.

Allele frequency attached by ClinVar (database versions not stated): gnomAD exomes below 0.00001.

Submissions (2):

Blueprint Genetics
Classification: Uncertain significance. Last evaluated: 2024-09-14. Review status: criteria provided, single submitter. Criteria: ACMG Guidelines, 2015. Collection method: clinical testing. Allele origin: germline.

Labcorp Genetics (formerly Invitae), Labcorp
Classification: Uncertain significance. Last evaluated: 2022-08-22. Review status: criteria provided, single submitter. Criteria: Invitae Variant Classification Sherloc (09022015). Collection method: clinical testing. Allele origin: germline.
Comment: In summary, the available evidence is currently insufficient to determine the role of this variant in disease. Therefore, it has been classified as a Variant of Uncertain Significance. Experimental studies and prediction algorithms are not available or were not evaluated, and the functional significance of this variant is currently unknown. This variant has not been reported in the literature in individuals affected with MAGEL2-related conditions. This variant is not present in population databases (gnomAD no frequency). This sequence change replaces proline, which is neutral and non-polar, with threonine, which is neutral and polar, at codon 194 of the MAGEL2 protein (p.Pro194Thr).